The following is an entry in ClinVar:

NM_000138.5(FBN1):c.5896C>G (p.Pro1966Ala)

Gene: FBN1 (fibrillin 1; minus strand). Cytogenetic location: 15q21.1.
Variant type: single nucleotide variant.
Coding change: c.5896C>G on transcript NM_000138.5 (MANE Select); coding-DNA position 5896, C replaced by G.
Protein change: p.Pro1966Ala; replaces proline 1966 with alanine.
Molecular consequence: missense variant.
Genome position (GRCh38, 1-based): chr15:48,445,397, G>C on the plus strand (C>G on the coding strand, the complement: FBN1 is on the minus strand). VCF-style: chr15-48445397-G-C. GRCh37 (hg19) VCF-style: chr15-48737594-G-C.
Other names: c.5896C>G, p.Pro1966Ala (NM_001406716.1); short protein forms P1966A.
Identifiers: ClinVar variation 3073708 (VCV003073708.1), dbSNP rs2141249124, ClinGen allele CA392339963.

ClinVar aggregate classification (germline): Uncertain significance (1 of 4 stars; one submission).

Conditions:
Marfan syndrome (MFS). Also called: MARFAN SYNDROME, TYPE I; Marfan syndrome type 1; Marfan's syndrome; Marfan syndrome, classic; FBN1-Related Marfan Syndrome. Identifiers: Orphanet 284963, Orphanet 558, MedGen C0024796, MONDO:0007947, OMIM 154700.

Submission:

All of Us Research Program, National Institutes of Health
Classification: Uncertain significance for Marfan syndrome. Last evaluated: 2023-10-06. Review status: criteria provided, single submitter. Criteria: ACMG Guidelines, 2015. Collection method: clinical testing. Allele origin: germline. Inheritance: Autosomal dominant inheritance. Observed: 1 variant allele, 1 heterozygote.
Comment: This missense variant replaces proline with alanine at codon 1966 of the FBN1 protein. Computational prediction suggests that this variant may not impact protein structure and function (internally defined REVEL score threshold <= 0.5, PMID: 27666373). To our knowledge, functional studies have not been reported for this variant. This variant has not been reported in individuals affected with FBN1-related disorders in the literature. This variant has not been identified in the general population by the Genome Aggregation Database (gnomAD). The available evidence is insufficient to determine the role of this variant in disease conclusively. Therefore, this variant is classified as a Variant of Uncertain Significance.

This study involves interpretation of variants in research participants for the purpose of population health screening. Participant phenotype was not available at the time of variant classification. Additional details can be found in publication PMID: 35346344, PMCID: PMC8962531